The following is an entry in ClinVar:

ClinVar aggregate classification (germline): Uncertain significance (1 of 4 stars; one submission).

Submission:

Labcorp Genetics (formerly Invitae), Labcorp
Classification: Uncertain significance. Last evaluated: 2026-01-07. Review status: criteria provided, single submitter. Criteria: Invitae Variant Classification Sherloc (09022015). Collection method: clinical testing. Allele origin: germline.
Comment: This sequence change falls in intron 19 of the MSH3 gene. It does not directly change the encoded amino acid sequence of the MSH3 protein. It affects a nucleotide within the consensus splice site. This variant is not present in population databases (gnomAD no frequency). This variant has not been reported in the literature in individuals affected with MSH3-related conditions. ClinVar contains an entry for this variant (Variation ID: 2031356). Variants that disrupt the consensus splice site are a relatively common cause of aberrant splicing (PMID: 17576681, 9536098). Algorithms developed to predict the effect of sequence changes on RNA splicing suggest that this variant may disrupt the consensus splice site. In summary, the available evidence is currently insufficient to determine the role of this variant in disease. Therefore, it has been classified as a Variant of Uncertain Significance.

Literature cited by the submitters: PubMed 17576681; PubMed 9536098.

NM_002439.5(MSH3):c.2655+5G>A

Gene: MSH3 (mutS homolog 3; plus strand). Cytogenetic location: 5q14.1.
Variant type: single nucleotide variant.
Coding change: c.2655+5G>A on transcript NM_002439.5 (MANE Select); 5 bases into the intron after coding-DNA position 2655, G replaced by A.
Molecular consequence: intron variant.
Genome position (GRCh38, 1-based): chr5:80,792,849, G>A. VCF-style: chr5-80792849-G-A. GRCh37 (hg19) VCF-style: chr5-80088668-G-A.
Identifiers: ClinVar variation 2031356 (VCV002031356.4), dbSNP rs2546786860, ClinGen allele CA2580073633.